The following is an entry in ClinVar:

ClinVar aggregate classification (germline): Likely benign. Review status: criteria provided, multiple submitters, no conflicts (2 of 4 stars). 2 submissions from 2 submitters: Likely benign (2). Last evaluated 2025-12-17.

Conditions:
Methylmalonic aciduria, cblB type (MACB). Also called: METHYLMALONIC ACIDURIA, VITAMIN B12-RESPONSIVE, DUE TO DEFECT IN SYNTHESIS OF ADENOSYLCOBALAMIN, cblB TYPE; Methylmalonic acidemia cblB type; Vitamin B12-responsive methylmalonic acidemia type cblB. Identifiers: Orphanet 28, Orphanet 79311, MedGen C1855102, MONDO:0009614, OMIM 251110.

Allele frequency attached by ClinVar (database versions not stated): gnomAD 0.00001; gnomAD exomes 0.00001 and 0.00002; TOPMed 0.00002; ExAC 0.00003.
gnomAD v4.1: 23 of 1,610,854 alleles (0.0014%); highest among the groups gnomAD compares: Middle Eastern, 0.016%; no homozygotes.

Submissions (2):

Labcorp Genetics (formerly Invitae), Labcorp
Classification: Likely benign for Methylmalonic aciduria, cblB type. Last evaluated: 2025-12-17. Review status: criteria provided, single submitter. Criteria: Invitae Variant Classification Sherloc (09022015). Collection method: clinical testing. Allele origin: germline.

CeGaT Center for Human Genetics Tuebingen
Classification: Likely benign. Last evaluated: 2022-06-01. Review status: criteria provided, single submitter. Criteria: CeGaT Center For Human Genetics Tuebingen Variant Classification Criteria Version 2. Collection method: clinical testing. Allele origin: germline. Affected: yes. Observed: 1 variant allele.
Comment: MMAB: BP4, BP7

NM_052845.4(MMAB):c.540G>A (p.Ser180=)

Gene: MMAB (metabolism of cobalamin associated B; minus strand). Cytogenetic location: 12q24.11.
Variant type: single nucleotide variant.
Coding change: c.540G>A on transcript NM_052845.4 (MANE Select); coding-DNA position 540, G replaced by A.
Protein change: p.Ser180=; no amino-acid change (serine 180 retained).
Molecular consequence: synonymous variant. On other transcripts: non-coding transcript variant (1).
Genome position (GRCh38, 1-based): chr12:109,561,084, C>T on the plus strand (G>A on the coding strand, the complement: MMAB is on the minus strand). VCF-style: chr12-109561084-C-T. GRCh37 (hg19) VCF-style: chr12-109998889-C-T.
Identifiers: ClinVar variation 794275 (VCV000794275.33), dbSNP rs754311573, ClinGen allele CA6778836.
Genomic context (GRCh38, chr12:109,561,084, plus strand): 5'-TCTCCAGCCCTCTTACCGTCTCTCGGCCCGGCGGCACACGGCCCGGCAGAAATGCAGCGC[C>T]GAGCTGATCTTGCCTCCCGACTGAAAGGAGAAAGGGACATTGCCTGAGCAGGGTGGGAAA-3'
Protein context (NP_443077.1, residues 170-190): FILPSGGKIS[Ser180=]ALHFCRAVCR